The following is an entry in ClinVar:

ClinVar aggregate classification (germline): Uncertain significance. Review status: criteria provided, multiple submitters, no conflicts (2 of 4 stars). 3 submissions from 3 submitters: Uncertain significance (2). 1 of the submissions does not count toward it. Last evaluated 2026-02-16.

Conditions:
VPS13B-related disorder. Also called: VPS13B-related condition.
Cohen syndrome (COH1). Also called: PEPPER SYNDROME; Cutis verticis gyrata, retinitis pigmentosa, and sensorineural deafness. Identifiers: Orphanet 193, MedGen C0265223, MONDO:0008999, OMIM 216550.

Allele frequency attached by ClinVar (database versions not stated): TOPMed below 0.00001; ExAC 0.00001; gnomAD 0.00001; gnomAD exomes 0.00002.
gnomAD v4.1: 63 of 1,613,992 alleles (0.0039%); highest among the groups gnomAD compares: Non-Finnish European, 0.0052%; no homozygotes.

Submissions (3):

PreventionGenetics, part of Exact Sciences
Classification: Uncertain significance for VPS13B-related condition. Last evaluated: 2026-02-16. Review status: criteria provided, single submitter. Criteria: ACMG Guidelines, 2015. Collection method: clinical testing. Allele origin: germline.
Comment: The VPS13B c.4275T>G variant is predicted to result in the amino acid substitution p.Ser1425Arg. To our knowledge, this variant has not been reported in the literature. This variant is reported in 0.0053% of alleles in individuals of European (Non-Finnish) descent in gnomAD. At this time, the clinical significance of this variant is uncertain due to the absence of conclusive functional and genetic evidence.

Labcorp Genetics (formerly Invitae), Labcorp
Classification: Uncertain significance for Cohen syndrome. Last evaluated: 2021-08-31. Review status: criteria provided, single submitter. Criteria: Invitae Variant Classification Sherloc (09022015). Collection method: clinical testing. Allele origin: germline.

Natera, Inc.
Classification: Uncertain significance for Cohen syndrome. Last evaluated: 2021-05-04. Review status: no assertion criteria provided. Collection method: clinical testing. Allele origin: germline. Not counted in ClinVar's aggregate classification.

NM_152564.5(VPS13B):c.4224+684T>G

Gene: VPS13B (vacuolar protein sorting 13 homolog B; plus strand). Cytogenetic location: 8q22.2.
Variant type: single nucleotide variant.
Coding change: c.4224+684T>G on transcript NM_152564.5 (MANE Select); 684 bases into the intron after coding-DNA position 4224, T replaced by G.
Molecular consequence: intron variant. On other transcripts: missense variant (1).
Genome position (GRCh38, 1-based): chr8:99,507,887, T>G. VCF-style: chr8-99507887-T-G. GRCh37 (hg19) VCF-style: chr8-100520115-T-G.
Other names: c.4275T>G, p.Ser1425Arg (NM_017890.5); short protein forms S1425R.
Identifiers: ClinVar variation 972236 (VCV000972236.8), dbSNP rs779176548, ClinGen allele CA4823479.